The following is an entry in ClinVar:

ClinVar aggregate classification (germline): Uncertain significance (1 of 4 stars; one submission).

Conditions:
Ataxia-telangiectasia syndrome (AT). Also called: ATAXIA-TELANGIECTASIA, COMPLEMENTATION GROUP A; ATAXIA-TELANGIECTASIA, FRESNO VARIANT; Ataxia-telangiectasia; Ataxia-telangiectasia, complementation group E; Ataxia telangiectasia (A-T); LOUIS-BAR SYNDROME. Identifiers: Orphanet 100, MedGen C0004135, MONDO:0008840, OMIM 208900.

Submission:

Labcorp Genetics (formerly Invitae), Labcorp
Classification: Uncertain significance for Ataxia-telangiectasia syndrome. Last evaluated: 2024-11-05. Review status: criteria provided, single submitter. Criteria: Invitae Variant Classification Sherloc (09022015). Collection method: clinical testing. Allele origin: germline.
Comment: This sequence change replaces asparagine, which is neutral and polar, with lysine, which is basic and polar, at codon 1377 of the ATM protein (p.Asn1377Lys). This variant is not present in population databases (gnomAD no frequency). This variant has not been reported in the literature in individuals affected with ATM-related conditions. Invitae Evidence Modeling of protein sequence and biophysical properties (such as structural, functional, and spatial information, amino acid conservation, physicochemical variation, residue mobility, and thermodynamic stability) indicates that this missense variant is not expected to disrupt ATM protein function with a negative predictive value of 95%. In summary, the available evidence is currently insufficient to determine the role of this variant in disease. Therefore, it has been classified as a Variant of Uncertain Significance.

NM_000051.4(ATM):c.4131T>G (p.Asn1377Lys)

Gene: ATM (ATM serine/threonine kinase; plus strand). Cytogenetic location: 11q22.3.
Variant type: single nucleotide variant.
Coding change: c.4131T>G on transcript NM_000051.4 (MANE Select); coding-DNA position 4131, T replaced by G.
Protein change: p.Asn1377Lys; replaces asparagine 1377 with lysine.
Molecular consequence: missense variant.
Genome position (GRCh38, 1-based): chr11:108,288,998, T>G. VCF-style: chr11-108288998-T-G. GRCh37 (hg19) VCF-style: chr11-108159725-T-G.
Other names: c.4131T>G, p.Asn1377Lys (NM_001351834.2); short protein forms N1377K.
Identifiers: ClinVar variation 3720453 (VCV003720453.2).
Genomic context (GRCh38, chr11:108,288,998, plus strand): 5'-TTAAAACGATGACTGTATTTTTTCCCTTAACTCTGTTAGGGATTTGGATCCTGCTCCTAA[T>G]CCACCTCATTTTCCATCGCATGTGATTAAAGCAACATTTGCCTATATCAGCAATTGTCAT-3'
Protein context (NP_000042.3, residues 1367-1387): DFSGDLDPAP[Asn1377Lys]PPHFPSHVIK